The following is an entry in ClinVar:

NM_024675.4(PALB2):c.1667T>C (p.Leu556Ser)

Gene: PALB2 (partner and localizer of BRCA2; minus strand). Cytogenetic location: 16p12.2.
Variant type: single nucleotide variant.
Coding change: c.1667T>C on transcript NM_024675.4 (MANE Select); coding-DNA position 1667, T replaced by C.
Protein change: p.Leu556Ser; replaces leucine 556 with serine.
Molecular consequence: missense variant.
Genome position (GRCh38, 1-based): chr16:23,634,879, A>G on the plus strand (T>C on the coding strand, the complement: PALB2 is on the minus strand). VCF-style: chr16-23634879-A-G. GRCh37 (hg19) VCF-style: chr16-23646200-A-G.
Other names: short protein forms L556S.
Identifiers: ClinVar variation 864467 (VCV000864467.10), dbSNP rs1966947813, ClinGen allele CA395130000.

ClinVar aggregate classification (germline): Uncertain significance (1 of 4 stars; one submission).

Conditions:
Familial cancer of breast. Also called: Hereditary breast cancer; BREAST CANCER, FAMILIAL; hereditary breast carcinoma. Identifiers: Orphanet 227535, MedGen C0346153, MONDO:0016419, OMIM 114480. Disease mechanism: loss of function.

Submission:

Labcorp Genetics (formerly Invitae), Labcorp
Classification: Uncertain significance for Familial cancer of breast. Last evaluated: 2024-10-26. Review status: criteria provided, single submitter. Criteria: Invitae Variant Classification Sherloc (09022015). Collection method: clinical testing. Allele origin: germline.
Comment: This sequence change replaces leucine, which is neutral and non-polar, with serine, which is neutral and polar, at codon 556 of the PALB2 protein (p.Leu556Ser). This variant is not present in population databases (gnomAD no frequency). This variant has not been reported in the literature in individuals affected with PALB2-related conditions. ClinVar contains an entry for this variant (Variation ID: 864467). Invitae Evidence Modeling of protein sequence and biophysical properties (such as structural, functional, and spatial information, amino acid conservation, physicochemical variation, residue mobility, and thermodynamic stability) indicates that this missense variant is not expected to disrupt PALB2 protein function with a negative predictive value of 80%. In summary, the available evidence is currently insufficient to determine the role of this variant in disease. Therefore, it has been classified as a Variant of Uncertain Significance.